The following is an entry in ClinVar:

NM_176787.5(PIGN):c.2193_2194del (p.Phe732fs)

Gene: PIGN (phosphatidylinositol glycan anchor biosynthesis class N; minus strand). Cytogenetic location: 18q21.33.
Variant type: Microsatellite.
Coding change: c.2193_2194del on transcript NM_176787.5 (MANE Select); coding-DNA positions 2193 to 2194, 2 bases deleted (CT; older notation c.2193_2194delCT).
Protein change: p.Phe732fs; shifts the reading frame from phenylalanine 732.
Molecular consequence: frameshift variant.
Genome position (GRCh38, 1-based): chr18:62,090,565-62,090,566, AG deleted on the plus strand (CT on the coding strand, the reverse complement: PIGN is on the minus strand); deleting any 2 consecutive bases within chr18:62,090,565-62,090,570 gives the same sequence; the c. name uses the placement nearest the transcript's 3' end. VCF-style (leftmost placement, unchanged base first): chr18-62090564-AAG-A. GRCh37 (hg19) VCF-style: chr18-59757797-AAG-A.
Other names: c.2193_2194del, p.Phe732fs (NM_012327.6); short protein forms F732fs.
Identifiers: ClinVar variation 850806 (VCV000850806.7), dbSNP rs2033909461, ClinGen allele CA916083652.

ClinVar aggregate classification (germline): Pathogenic (1 of 4 stars; one submission).

Conditions:
Multiple congenital anomalies-hypotonia-seizures syndrome 1 (MCAHS1). Also called: PIGN-CDG; Congenital disorder of glycosylation due to PIGN deficiency; GLYCOSYLPHOSPHATIDYLINOSITOL BIOSYNTHESIS DEFECT 3. Identifiers: Orphanet 280633, MedGen C3279775, MONDO:0013563, OMIM 614080.

Submission:

Labcorp Genetics (formerly Invitae), Labcorp
Classification: Pathogenic for Multiple congenital anomalies-hypotonia-seizures syndrome 1. Last evaluated: 2022-11-01. Review status: criteria provided, single submitter. Criteria: Invitae Variant Classification Sherloc (09022015). Collection method: clinical testing. Allele origin: germline.
Comment: For these reasons, this variant has been classified as Pathogenic. ClinVar contains an entry for this variant (Variation ID: 850806). This variant has not been reported in the literature in individuals affected with PIGN-related conditions. This variant is not present in population databases (gnomAD no frequency). This sequence change creates a premature translational stop signal (p.Phe732Serfs*27) in the PIGN gene. It is expected to result in an absent or disrupted protein product. Loss-of-function variants in PIGN are known to be pathogenic (PMID: 24253414, 27038415).

Literature cited by the submitters: PubMed 24253414; PubMed 27038415.